The following is an entry in ClinVar:

ClinVar aggregate classification (germline): Uncertain significance (1 of 4 stars; one submission).

Conditions:
Autosomal recessive spastic paraplegia type 78. Identifiers: Orphanet 513436, MedGen C5567893, MONDO:0014975, OMIM 617225.
Kufor-Rakeb syndrome (KRS). Also called: PARKINSON DISEASE 9, AUTOSOMAL RECESSIVE, JUVENILE-ONSET. Identifiers: Orphanet 306674, Orphanet 314632, MedGen C1847640, MONDO:0011706, OMIM 606693.

Allele frequency attached by ClinVar (database versions not stated): gnomAD exomes below 0.00001; TOPMed 0.00001.
gnomAD v4.1: 6 of 1,614,036 alleles (0.00037%); highest among the groups gnomAD compares: Non-Finnish European, 0.00051%; no homozygotes.

Submission:

Labcorp Genetics (formerly Invitae), Labcorp
Classification: Uncertain significance for Kufor-Rakeb syndrome; Autosomal recessive spastic paraplegia type 78. Last evaluated: 2025-01-13. Review status: criteria provided, single submitter. Criteria: Invitae Variant Classification Sherloc (09022015). Collection method: clinical testing. Allele origin: germline.
Comment: This sequence change replaces proline, which is neutral and non-polar, with serine, which is neutral and polar, at codon 769 of the ATP13A2 protein (p.Pro769Ser). This variant is present in population databases (no rsID available, gnomAD 0.0009%). This variant has not been reported in the literature in individuals affected with ATP13A2-related conditions. ClinVar contains an entry for this variant (Variation ID: 2042675). Invitae Evidence Modeling of protein sequence and biophysical properties (such as structural, functional, and spatial information, amino acid conservation, physicochemical variation, residue mobility, and thermodynamic stability) indicates that this missense variant is not expected to disrupt ATP13A2 protein function with a negative predictive value of 80%. In summary, the available evidence is currently insufficient to determine the role of this variant in disease. Therefore, it has been classified as a Variant of Uncertain Significance.

NM_022089.4(ATP13A2):c.2305C>T (p.Pro769Ser)

Gene: ATP13A2 (ATPase cation transporting 13A2; minus strand). Cytogenetic location: 1p36.13.
Variant type: single nucleotide variant.
Coding change: c.2305C>T on transcript NM_022089.4 (MANE Select); coding-DNA position 2305, C replaced by T.
Protein change: p.Pro769Ser; replaces proline 769 with serine.
Molecular consequence: missense variant.
Genome position (GRCh38, 1-based): chr1:16,990,234, G>A on the plus strand (C>T on the coding strand, the complement: ATP13A2 is on the minus strand). VCF-style: chr1-16990234-G-A. GRCh37 (hg19) VCF-style: chr1-17316729-G-A.
Other names: c.2290C>T, p.Pro764Ser (NM_001141973.3, NM_001141974.3); short protein forms P764S, P769S.
Identifiers: ClinVar variation 2042675 (VCV002042675.4), dbSNP rs1298701151, ClinGen allele CA338241845.